The following is an entry in ClinVar:

ClinVar aggregate classification (germline): Pathogenic (1 of 4 stars; one submission).

Submission:

Labcorp Genetics (formerly Invitae), Labcorp
Classification: Pathogenic. Last evaluated: 2024-12-29. Review status: criteria provided, single submitter. Criteria: Invitae Variant Classification Sherloc (09022015). Collection method: clinical testing. Allele origin: germline.
Comment: This sequence change creates a premature translational stop signal (p.Leu184Argfs*8) in the GNPTG gene. It is expected to result in an absent or disrupted protein product. Loss-of-function variants in GNPTG are known to be pathogenic (PMID: 19370764, 20301784). This variant is not present in population databases (gnomAD no frequency). This variant has not been reported in the literature in individuals affected with GNPTG-related conditions. For these reasons, this variant has been classified as Pathogenic.

Literature cited by the submitters: PubMed 19370764; PubMed 20301784.

NM_032520.5(GNPTG):c.551del (p.Leu184fs)

Gene: GNPTG (N-acetylglucosamine-1-phosphate transferase subunit gamma; plus strand). Cytogenetic location: 16p13.3.
Variant type: Deletion.
Coding change: c.551del on transcript NM_032520.5 (MANE Select); coding-DNA position 551, one base deleted (T; older notation c.551delT).
Protein change: p.Leu184fs; shifts the reading frame from leucine 184.
Molecular consequence: frameshift variant.
Genome position (GRCh38, 1-based): chr16:1,362,476, T deleted. VCF-style (leftmost placement, unchanged base first): chr16-1362475-CT-C. GRCh37 (hg19) VCF-style: chr16-1412476-CT-C.
Other names: short protein forms L184fs.
Identifiers: ClinVar variation 3692982 (VCV003692982.2).